The following is an entry in ClinVar:

ClinVar aggregate classification (germline): Uncertain significance (1 of 4 stars; one submission).

Conditions:
RYR1-related disorder. Also called: RYR1-related condition; RYR1-related disorders. Identifiers: MedGen CN239331.

Allele frequency attached by ClinVar (database versions not stated): gnomAD exomes below 0.00001.
gnomAD v4.1: 1 of 1,613,996 alleles (0.000062%); highest among the groups gnomAD compares: South Asian, 0.0011%; no homozygotes.

Submission:

Labcorp Genetics (formerly Invitae), Labcorp
Classification: Uncertain significance for RYR1-related disorder. Last evaluated: 2022-05-04. Review status: criteria provided, single submitter. Criteria: Invitae Variant Classification Sherloc (09022015). Collection method: clinical testing. Allele origin: germline.
Comment: This sequence change replaces methionine, which is neutral and non-polar, with threonine, which is neutral and polar, at codon 2203 of the RYR1 protein (p.Met2203Thr). This variant is not present in population databases (gnomAD no frequency). This variant has not been reported in the literature in individuals affected with RYR1-related conditions. Advanced modeling of protein sequence and biophysical properties (such as structural, functional, and spatial information, amino acid conservation, physicochemical variation, residue mobility, and thermodynamic stability) performed at Invitae indicates that this missense variant is expected to disrupt RYR1 protein function. In summary, the available evidence is currently insufficient to determine the role of this variant in disease. Therefore, it has been classified as a Variant of Uncertain Significance.

NM_000540.3(RYR1):c.6608T>C (p.Met2203Thr)

Gene: RYR1 (ryanodine receptor 1; plus strand). Cytogenetic location: 19q13.2.
Variant type: single nucleotide variant.
Coding change: c.6608T>C on transcript NM_000540.3 (MANE Select); coding-DNA position 6608, T replaced by C.
Protein change: p.Met2203Thr; replaces methionine 2203 with threonine.
Molecular consequence: missense variant.
Genome position (GRCh38, 1-based): chr19:38,496,274, T>C. VCF-style: chr19-38496274-T-C. GRCh37 (hg19) VCF-style: chr19-38986914-T-C.
Other names: c.6608T>C, p.Met2203Thr (NM_001042723.2); short protein forms M2203T.
Identifiers: ClinVar variation 1905189 (VCV001905189.5), dbSNP rs2514286877, ClinGen allele CA405665852.
Genomic context (GRCh38, chr19:38,496,274, plus strand): 5'-GGAACATCATGAACAACAAAGTCTTCTACCAACACCCGAACCTGATGAGGGCGCTGGGCA[T>C]GCACGAGACGGTCATGGAGGTCATGGTCAACGTCCTCGGGGGCGGCGAGTCCAAGGTGAG-3'
Protein context (NP_000531.2, residues 2193-2213): QHPNLMRALG[Met2203Thr]HETVMEVMVN